The following is an entry in ClinVar:

ClinVar aggregate classification (germline): Benign (1 of 4 stars; one submission).

Conditions:
Familial cancer of breast. Also called: BREAST CANCER, FAMILIAL; Hereditary breast cancer; hereditary breast carcinoma. Identifiers: Orphanet 227535, MedGen C0346153, MONDO:0016419, OMIM 114480. Disease mechanism: loss of function.

Submission:

Myriad Genetics, Inc.
Classification: Benign for Familial cancer of breast. Last evaluated: 2024-05-10. Review status: criteria provided, single submitter. Criteria: Myriad Autosomal Dominant, Autosomal Recessive and X-Linked Classification Criteria (2023). Collection method: clinical testing. Allele origin: unknown.
Comment: This variant is considered benign. This variant is a silent/synonymous amino acid change and it is not expected to impact splicing.

NM_000051.4(ATM):c.2739C>G (p.Thr913=)

Gene: ATM (ATM serine/threonine kinase; plus strand). Cytogenetic location: 11q22.3.
Variant type: single nucleotide variant.
Coding change: c.2739C>G on transcript NM_000051.4 (MANE Select); coding-DNA position 2739, C replaced by G.
Protein change: p.Thr913=; no amino-acid change (threonine 913 retained).
Molecular consequence: synonymous variant.
Genome position (GRCh38, 1-based): chr11:108,268,510, C>G. VCF-style: chr11-108268510-C-G. GRCh37 (hg19) VCF-style: chr11-108139237-C-G.
Other names: c.2739C>G, p.Thr913= (NM_001351834.2).
Identifiers: ClinVar variation 3253955 (VCV003253955.1), dbSNP rs1555083293.